The following is an entry in ClinVar:

ClinVar aggregate classification (germline): Conflicting classifications of pathogenicity. Review status: criteria provided, conflicting classifications (1 of 4 stars). 11 submissions from 11 submitters: Uncertain significance (8); Benign (1). 2 of the submissions do not count toward it. Last evaluated 2026-08-21.

Conditions:
Von Hippel-Lindau syndrome (VHLS). Also called: VHL syndrome; von Hippel–Lindau syndrome; Von Hippel-Lindau. Identifiers: Orphanet 892, MedGen C0019562, MONDO:0008667, OMIM 193300. Disease mechanism: loss of function.
VHL-related disorder. Also called: VHL-related condition.
Chuvash polycythemia. Also called: POLYCYTHEMIA, VHL-DEPENDENT. Identifiers: Orphanet 238557, MedGen C1837915, MONDO:0009892, OMIM 263400.
Hereditary cancer-predisposing syndrome. Also called: Hereditary neoplastic syndrome; Neoplastic Syndromes, Hereditary; Hereditary Cancer Syndrome; Tumor predisposition. Identifiers: Orphanet 140162, MedGen C0027672, MeSH D009386, MONDO:0015356.
Nonpapillary renal cell carcinoma. Identifiers: Orphanet 422526, MedGen CN074294, MONDO:0007763, OMIM 144700.
Pheochromocytoma. Also called: MAX-Related Hereditary Paraganglioma-Pheochromocytoma Syndrome. Identifiers: Orphanet 29072, MedGen C0031511, MONDO:0008233, OMIM 171300, HP:0002666.

Allele frequency attached by ClinVar (database versions not stated): gnomAD 0.00004; TOPMed 0.00004.

Submissions (11):

PreventionGenetics, part of Exact Sciences
Classification: Uncertain significance for VHL-related condition. Last evaluated: 2026-08-21. Review status: criteria provided, single submitter. Criteria: ACMG Guidelines, 2015. Collection method: clinical testing. Allele origin: germline.
Comment: The VHL c.167C>G variant is predicted to result in the amino acid substitution p.Ala56Gly. This variant was reported in the heterozygous state in an individual with a family history of thrombosis (Table 2, Oliveira et al. 2018. PubMed ID: 29790589) and in an individual with erythrocytosis (Gangat et al. 2022. PubMed ID: 35142155). This variant was also reported in a healthy individual (Rasouly et al. 2018. PubMed ID: 30476936). This variant is reported in 0.0094% of alleles in individuals of African descent in gnomAD andand has conflicting interpretations in ClinVar ranging from benign to uncertain (Variation: 371800). At this time, the clinical significance of this variant is uncertain due to the absence of conclusive functional and genetic evidence.

Labcorp Genetics (formerly Invitae), Labcorp
Classification: Uncertain significance for Von Hippel-Lindau syndrome; Chuvash polycythemia. Last evaluated: 2026-01-26. Review status: criteria provided, single submitter. Criteria: Invitae Variant Classification Sherloc (09022015). Collection method: clinical testing. Allele origin: germline.
Comment: This sequence change replaces alanine, which is neutral and non-polar, with glycine, which is neutral and non-polar, at codon 56 of the VHL protein (p.Ala56Gly). This variant is present in population databases (rs752980085, gnomAD 0.01%). This missense change has been observed in individual(s) with erythrocytosis (PMID: 35142155). ClinVar contains an entry for this variant (Variation ID: 371800). Invitae Evidence Modeling of protein sequence and biophysical properties (such as structural, functional, and spatial information, amino acid conservation, physicochemical variation, residue mobility, and thermodynamic stability) has been performed for this missense variant. However, the output from this modeling did not meet the statistical confidence thresholds required to predict the impact of this variant on VHL protein function. In summary, the available evidence is currently insufficient to determine the role of this variant in disease. Therefore, it has been classified as a Variant of Uncertain Significance.

GeneDx
Classification: Uncertain significance. Last evaluated: 2025-08-11. Review status: criteria provided, single submitter. Criteria: GeneDx Variant Classification Process June 2021. Collection method: clinical testing. Allele origin: germline. Affected: yes.
Comment: Not observed at significant frequency in large population cohorts (gnomAD); In silico analysis suggests that this missense variant does not alter protein structure/function; Observed in individuals with breast cancer or erythrocytosis (PMID: 29790589, 36315513); This variant is associated with the following publications: (PMID: 29790589, 35142155, 36315513, 30476936)

Ambry Genetics
Classification: Benign for Hereditary cancer-predisposing syndrome. Last evaluated: 2025-08-04. Review status: criteria provided, single submitter. Criteria: Ambry Variant Classification Scheme 2023. Collection method: clinical testing. Allele origin: germline.

Women's Health and Genetics/Laboratory Corporation of America, LabCorp
Classification: Uncertain significance. Last evaluated: 2024-12-31. Review status: criteria provided, single submitter. Criteria: LabCorp Variant Classification Summary - May 2015. Collection method: clinical testing. Allele origin: germline.
Comment: Variant summary: VHL c.167C>G (p.Ala56Gly) results in a non-conservative amino acid change in the encoded protein sequence. Four of five in-silico tools predict a benign effect of the variant on protein function. The variant allele was found at a frequency of 1e-05 in 200656 control chromosomes (gnomAD). The available data on variant occurrences in the general population are insufficient to allow any conclusion about variant significance. c.167C>G has been reported in the literature in individuals affected with erythrocytosis without evidence of causality (e.g. Gangat_2022). This report does not provide unequivocal conclusions about association of the variant with Von Hippel-Lindau Syndrome. To our knowledge, no experimental evidence demonstrating an impact on protein function has been reported. The following publication has been ascertained in the context of this evaluation (PMID: 35142155). ClinVar contains an entry for this variant (Variation ID: 371800). Based on the evidence outlined above, the variant was classified as uncertain significance.

Color Diagnostics, LLC DBA Color Health
Classification: Uncertain significance for Von Hippel-Lindau syndrome. Last evaluated: 2024-04-11. Review status: criteria provided, single submitter. Criteria: ACMG Guidelines, 2015. Collection method: clinical testing. Allele origin: germline.
Comment: This missense variant replaces alanine with glycine at codon 56 of the VHL protein. Computational prediction suggests that this variant may not impact protein structure and function. To our knowledge, functional studies have not been reported for this variant. This variant has not been reported in individuals affected with VHL-related disorders in the literature. This variant has been identified in 2/200656 chromosomes in the general population by the Genome Aggregation Database (gnomAD). The available evidence is insufficient to determine the role of this variant in disease conclusively. Therefore, this variant is classified as a Variant of Uncertain Significance.

Baylor Genetics
Classification: Uncertain significance for Chuvash polycythemia. Last evaluated: 2024-02-21. Review status: criteria provided, single submitter. Criteria: ACMG Guidelines, 2015. Collection method: clinical testing. Allele origin: unknown.

Fulgent Genetics
Classification: Uncertain significance for Nonpapillary renal cell carcinoma; Pheochromocytoma; Von Hippel-Lindau syndrome; Chuvash polycythemia. Last evaluated: 2024-01-04. Review status: criteria provided, single submitter. Criteria: ACMG Guidelines, 2015. Collection method: clinical testing. Allele origin: germline.

Sema4
Classification: Uncertain significance for Hereditary cancer-predisposing syndrome. Last evaluated: 2021-11-27. Review status: criteria provided, single submitter. Criteria: Sema4 Curation Guidelines. Collection method: curation. Allele origin: germline.
Comment: The VHL c.167C>G ( p.A56G) variant has been reported in heterozygosity in at least 1 individual with family history of thrombosis (PMID: 29790589). It was observed in 1/10668 chromosomes of the African/African American subpopulation in the large and broad cohorts of the Genome Aggregation Database (PMID: 32461654). This variant has been reported in ClinVar (Variation ID: 371800). Functional studies have not been performed, and in silico predictions of the variant's effect on protein function are inconclusive. The evidence is insufficient to meet ACMG/AMP criteria for classifying the variant as benign or pathogenic. Thus, the clinical significance of this variant is currently uncertain.

Gharavi Laboratory, Columbia University
Classification: Uncertain significance. Last evaluated: 2018-09-16. Review status: no assertion criteria provided. Criteria: ACMG Guidelines, 2015. Collection method: research. Allele origin: germline. Affected: no. Not counted in ClinVar's aggregate classification.

Counsyl
Classification: Uncertain significance for Von Hippel-Lindau syndrome. Last evaluated: 2015-12-04. Review status: no assertion criteria provided. Collection method: clinical testing. Allele origin: unknown. Not counted in ClinVar's aggregate classification.

Literature cited by the submitters: PubMed 35142155 (cited by Labcorp Genetics (formerly Invitae), Labcorp and Women's Health and Genetics/Laboratory Corporation of America, LabCorp); PubMed 38969834 (cited by Ambry Genetics); PubMed 29790589 (cited by Sema4).

NM_000551.4(VHL):c.167C>G (p.Ala56Gly)

Gene: VHL (von Hippel-Lindau tumor suppressor; plus strand). Cytogenetic location: 3p25.3.
Variant type: single nucleotide variant.
Coding change: c.167C>G on transcript NM_000551.4 (MANE Select); coding-DNA position 167, C replaced by G.
Protein change: p.Ala56Gly; replaces alanine 56 with glycine.
Molecular consequence: missense variant.
Genome position (GRCh38, 1-based): chr3:10,142,014, C>G. VCF-style: chr3-10142014-C-G. GRCh37 (hg19) VCF-style: chr3-10183698-C-G.
Other names: c.167C>G, p.Ala56Gly (NM_001354723.2, NM_198156.3); short protein forms A56G.
Identifiers: ClinVar variation 371800 (VCV000371800.28), dbSNP rs752980085, ClinGen allele CA039566.
Genomic context (GRCh38, chr3:10,142,014, plus strand): 5'-AGGAGTCCGGCCCGGAAGAGTCCGGCCCGGAGGAACTGGGCGCCGAGGAGGAGATGGAGG[C>G]CGGGCGGCCGCGGCCCGTGCTGCGCTCGGTGAACTCGCGCGAGCCCTCCCAGGTCATCTT-3'
Protein context (NP_000542.1, residues 46-66): EELGAEEEME[Ala56Gly]GRPRPVLRSV